The following is an entry in ClinVar:

ClinVar aggregate classification (germline): Uncertain significance. Review status: criteria provided, multiple submitters, no conflicts (2 of 4 stars). 2 submissions from 2 submitters: Uncertain significance (2). Last evaluated 2026-07-01.

Conditions:
Familial thoracic aortic aneurysm and aortic dissection (TAAD). Also called: Thoracic aortic aneurysms and dissections. Identifiers: Orphanet 91387, MedGen C4707243, MONDO:0019625.

Allele frequency attached by ClinVar (database versions not stated): ExAC 0.00001; gnomAD exomes below 0.00001.
gnomAD v4.1: 1 of 1,611,656 alleles (0.000062%); highest among the groups gnomAD compares: East Asian, 0.0022%; no homozygotes.

Submissions (2):

Ambry Genetics
Classification: Uncertain significance for Familial thoracic aortic aneurysm and aortic dissection. Last evaluated: 2026-07-01. Review status: criteria provided, single submitter. Criteria: Ambry Variant Classification Scheme 2023. Collection method: clinical testing. Allele origin: germline.
Comment: The p.I67V variant (also known as c.199A>G), located in coding exon 1 of the SMAD3 gene, results from an A to G substitution at nucleotide position 199. The isoleucine at codon 67 is replaced by valine, an amino acid with highly similar properties. This amino acid position is conserved. In addition, the in silico prediction for this alteration is inconclusive. Based on the available evidence, the clinical significance of this variant remains unclear.

Labcorp Genetics (formerly Invitae), Labcorp
Classification: Uncertain significance for Familial thoracic aortic aneurysm and aortic dissection. Last evaluated: 2021-12-13. Review status: criteria provided, single submitter. Criteria: Invitae Variant Classification Sherloc (09022015). Collection method: clinical testing. Allele origin: germline.
Comment: In summary, the available evidence is currently insufficient to determine the role of this variant in disease. Therefore, it has been classified as a Variant of Uncertain Significance. Advanced modeling of protein sequence and biophysical properties (such as structural, functional, and spatial information, amino acid conservation, physicochemical variation, residue mobility, and thermodynamic stability) performed at Invitae indicates that this missense variant is not expected to disrupt SMAD3 protein function. This variant has not been reported in the literature in individuals affected with SMAD3-related conditions. This variant is present in population databases (rs762200897, gnomAD 0.006%). This sequence change replaces isoleucine, which is neutral and non-polar, with valine, which is neutral and non-polar, at codon 67 of the SMAD3 protein (p.Ile67Val).

NM_005902.4(SMAD3):c.199A>G (p.Ile67Val)

Gene: SMAD3 (SMAD family member 3; plus strand). Cytogenetic location: 15q22.33.
Variant type: single nucleotide variant.
Coding change: c.199A>G on transcript NM_005902.4 (MANE Select); coding-DNA position 199, A replaced by G.
Protein change: p.Ile67Val; replaces isoleucine 67 with valine.
Molecular consequence: missense variant.
Genome position (GRCh38, 1-based): chr15:67,066,353, A>G. VCF-style: chr15-67066353-A-G. GRCh37 (hg19) VCF-style: chr15-67358691-A-G.
Other names: c.199A>G, p.Ile67Val (NM_001407011.1, NM_001407012.1, NM_001407013.1); c.199A>G (NM_005902.3); short protein forms I67V.
Identifiers: ClinVar variation 2155470 (VCV002155470.5), dbSNP rs762200897, ClinGen allele CA061795.